The following is an entry in ClinVar:

ClinVar aggregate classification (germline): Uncertain significance (1 of 4 stars; one submission).

Conditions:
Emery-Dreifuss muscular dystrophy 4, autosomal dominant (EDMD4). Also called: EMERY-DREIFUSS MUSCULAR DYSTROPHY 4 WITH VARIABLE FEATURES. Identifiers: Orphanet 261, MedGen C2751807, MONDO:0013071, OMIM 612998.
Autosomal recessive ataxia, Beauce type. Also called: Spinocerebellar ataxia, autosomal recessive 8; ATAXIA, RECESSIVE, OF BEAUCE; SYNE1 Deficiency; SYNE1-Related Autosomal Recessive Cerebellar Ataxia. Identifiers: Orphanet 88644, MedGen C1853116, MONDO:0012549, OMIM 610743.

Allele frequency attached by ClinVar (database versions not stated): TOPMed 0.00003; gnomAD 0.00004 and 0.00005; gnomAD exomes 0.00004 and 0.00005; ExAC 0.00006; 1000 Genomes Project 0.00040; 1000 Genomes Project 30x 0.00062.
gnomAD v4.1: 89 of 1,614,158 alleles (0.0055%); highest among the groups gnomAD compares: Admixed American, 0.01%; no homozygotes.

Submission:

Labcorp Genetics (formerly Invitae), Labcorp
Classification: Uncertain significance for Emery-Dreifuss muscular dystrophy 4, autosomal dominant; Autosomal recessive ataxia, Beauce type. Last evaluated: 2024-01-22. Review status: criteria provided, single submitter. Criteria: Invitae Variant Classification Sherloc (09022015). Collection method: clinical testing. Allele origin: germline.
Comment: This sequence change replaces glycine, which is neutral and non-polar, with glutamic acid, which is acidic and polar, at codon 8591 of the SYNE1 protein (p.Gly8591Glu). This variant is present in population databases (rs191807870, gnomAD 0.007%). This variant has not been reported in the literature in individuals affected with SYNE1-related conditions. ClinVar contains an entry for this variant (Variation ID: 1440031). An algorithm developed to predict the effect of missense changes on protein structure and function (PolyPhen-2) suggests that this variant is likely to be disruptive. In summary, the available evidence is currently insufficient to determine the role of this variant in disease. Therefore, it has been classified as a Variant of Uncertain Significance.

NM_182961.4(SYNE1):c.25916G>A (p.Gly8639Glu)

Gene: SYNE1 (spectrin repeat containing nuclear envelope protein 1; minus strand). Cytogenetic location: 6q25.2.
Variant type: single nucleotide variant.
Coding change: c.25916G>A on transcript NM_182961.4 (MANE Select); coding-DNA position 25916, G replaced by A.
Protein change: p.Gly8639Glu; replaces glycine 8639 with glutamic acid.
Molecular consequence: missense variant.
Genome position (GRCh38, 1-based): chr6:152,133,361, C>T on the plus strand (G>A on the coding strand, the complement: SYNE1 is on the minus strand). VCF-style: chr6-152133361-C-T. GRCh37 (hg19) VCF-style: chr6-152454496-C-T.
Other names: c.2522G>A, p.Gly841Glu (NM_001347701.2); c.2450G>A, p.Gly817Glu (NM_001347702.2); c.25772G>A, p.Gly8591Glu (NM_033071.5); short protein forms G841E, G8639E, G817E, G8591E.
Identifiers: ClinVar variation 1440031 (VCV001440031.7), dbSNP rs191807870, ClinGen allele CA4052715.